The following is an entry in ClinVar:

ClinVar aggregate classification (germline): Conflicting classifications of pathogenicity. Review status: criteria provided, conflicting classifications (1 of 4 stars). 5 submissions from 5 submitters: Uncertain significance (1); Likely benign (4). Last evaluated 2026-01-09.

Conditions:
GALE-related disorder. Also called: GALE-related condition.
UDPglucose-4-epimerase deficiency. Also called: UDP-GALACTOSE-4-EPIMERASE DEFICIENCY; Galactose epimerase deficiency; UDPglucose 4-Epimerase Deficiency Disease; GALACTOSEMIA III; GALE DEFICIENCY; Epimerase Deficiency Galactosemia. Identifiers: Orphanet 352, Orphanet 79238, MedGen C0751161, MONDO:0009257, OMIM 230350.

Allele frequency attached by ClinVar (database versions not stated): gnomAD 0.00024 and 0.00025; TOPMed 0.00024; ExAC 0.00025; gnomAD exomes 0.00027 and 0.00045; ESP Exome Variant Server 0.00046; 1000 Genomes Project 30x 0.00047; 1000 Genomes Project 0.00060.
gnomAD v4.1: 687 of 1,614,162 alleles (0.043%); highest among the groups gnomAD compares: Non-Finnish European, 0.052%; 1 homozygote.

Submissions (5):

Labcorp Genetics (formerly Invitae), Labcorp
Classification: Likely benign for UDPglucose-4-epimerase deficiency. Last evaluated: 2026-01-09. Review status: criteria provided, single submitter. Criteria: Invitae Variant Classification Sherloc (09022015). Collection method: clinical testing. Allele origin: germline.

PreventionGenetics, part of Exact Sciences
Classification: Likely benign for GALE-related condition. Last evaluated: 2025-11-25. Review status: criteria provided, single submitter. Criteria: ACMG Guidelines, 2015. Collection method: clinical testing. Allele origin: germline.
Comment: This variant is classified as likely benign based on ACMG/AMP sequence variant interpretation guidelines (Richards et al. 2015 PMID: 25741868, with internal and published modifications).

CeGaT Center for Human Genetics Tuebingen
Classification: Likely benign. Last evaluated: 2025-04-01. Review status: criteria provided, single submitter. Criteria: CeGaT Center For Human Genetics Tuebingen Variant Classification Criteria Version 2. Collection method: clinical testing. Allele origin: germline. Affected: yes. Observed: 1 variant allele.
Comment: GALE: BP4, BP7

Blueprint Genetics
Classification: Likely benign. Last evaluated: 2024-10-04. Review status: criteria provided, single submitter. Criteria: ACMG Guidelines, 2015. Collection method: clinical testing. Allele origin: germline.

Illumina Laboratory Services, Illumina
Classification: Uncertain significance for UDPglucose-4-epimerase deficiency. Last evaluated: 2018-01-12. Review status: criteria provided, single submitter. Criteria: ICSL Variant Classification Criteria 13 December 2019. Collection method: clinical testing. Allele origin: germline.

NM_001008216.2(GALE):c.423C>T (p.Tyr141=)

Gene: GALE (UDP-galactose-4-epimerase; minus strand). Cytogenetic location: 1p36.11.
Variant type: single nucleotide variant.
Coding change: c.423C>T on transcript NM_001008216.2 (MANE Select); coding-DNA position 423, C replaced by T.
Protein change: p.Tyr141=; no amino-acid change (tyrosine 141 retained).
Molecular consequence: synonymous variant.
Genome position (GRCh38, 1-based): chr1:23,797,800, G>A on the plus strand (C>T on the coding strand, the complement: GALE is on the minus strand). VCF-style: chr1-23797800-G-A. GRCh37 (hg19) VCF-style: chr1-24124290-G-A.
Other names: c.423C>T, p.Tyr141= (NM_000403.4, NM_001127621.2).
Identifiers: ClinVar variation 296835 (VCV000296835.23), dbSNP rs138518245, ClinGen allele CA685670.